The following is an entry in ClinVar:

ClinVar aggregate classification (germline): Likely benign (1 of 4 stars; one submission).

Submission:

CeGaT Center for Human Genetics Tuebingen
Classification: Likely benign. Last evaluated: 2022-05-01. Review status: criteria provided, single submitter. Criteria: CeGaT Center For Human Genetics Tuebingen Variant Classification Criteria Version 2. Collection method: clinical testing. Allele origin: germline. Affected: yes. Observed: 1 variant allele.
Comment: MEFV: PM2:Supporting, BP4, BP7

NM_000243.3(MEFV):c.693G>T (p.Val231=)

Gene: MEFV (MEFV innate immunity regulator, pyrin; minus strand). Cytogenetic location: 16p13.3.
Variant type: single nucleotide variant.
Coding change: c.693G>T on transcript NM_000243.3 (MANE Select); coding-DNA position 693, G replaced by T.
Protein change: p.Val231=; no amino-acid change (valine 231 retained).
Molecular consequence: synonymous variant. On other transcripts: intron variant (1).
Genome position (GRCh38, 1-based): chr16:3,254,375, C>A on the plus strand (G>T on the coding strand, the complement: MEFV is on the minus strand). VCF-style: chr16-3254375-C-A. GRCh37 (hg19) VCF-style: chr16-3304375-C-A.
Other names: c.277+1936G>T (NM_001198536.2).
Identifiers: ClinVar variation 1694783 (VCV001694783.31), dbSNP rs1046285754, ClinGen allele CA493384204.